The following is an entry in ClinVar:

ClinVar aggregate classification (germline): Pathogenic/Likely pathogenic. Review status: criteria provided, multiple submitters, no conflicts (2 of 4 stars). 2 submissions from 2 submitters: Pathogenic (1); Likely pathogenic (1). Last evaluated 2024-06-18.

Allele frequency attached by ClinVar (database versions not stated): gnomAD exomes below 0.00001; TOPMed below 0.00001.
gnomAD v4.1: 2 of 1,614,048 alleles (0.00012%); highest among the groups gnomAD compares: South Asian, 0.0011%; no homozygotes.

Submissions (2):

Labcorp Genetics (formerly Invitae), Labcorp
Classification: Pathogenic. Last evaluated: 2024-06-18. Review status: criteria provided, single submitter. Criteria: Invitae Variant Classification Sherloc (09022015). Collection method: clinical testing. Allele origin: germline.
Comment: This sequence change creates a premature translational stop signal (p.Arg737*) in the TTLL5 gene. It is expected to result in an absent or disrupted protein product. Loss-of-function variants in TTLL5 are known to be pathogenic (PMID: 24791901, 27162334). This variant is not present in population databases (gnomAD no frequency). This variant has not been reported in the literature in individuals affected with TTLL5-related conditions. ClinVar contains an entry for this variant (Variation ID: 498404). For these reasons, this variant has been classified as Pathogenic.

Eurofins Ntd Llc (ga)
Classification: Likely pathogenic. Last evaluated: 2016-11-04. Review status: criteria provided, single submitter. Criteria: EGL Classification Definitions 2015. Collection method: clinical testing. Allele origin: germline. Observed: 1 variant allele, 1 heterozygote.

Literature cited by the submitters: PubMed 24791901 (cited by Labcorp Genetics (formerly Invitae), Labcorp); PubMed 27162334 (cited by Labcorp Genetics (formerly Invitae), Labcorp).

NM_015072.5(TTLL5):c.2209C>T (p.Arg737Ter)

Gene: TTLL5 (tubulin tyrosine ligase like 5; plus strand). Cytogenetic location: 14q24.3.
Variant type: single nucleotide variant.
Coding change: c.2209C>T on transcript NM_015072.5 (MANE Select); coding-DNA position 2209, C replaced by T.
Protein change: p.Arg737Ter; replaces arginine 737 with a stop codon.
Molecular consequence: nonsense.
Genome position (GRCh38, 1-based): chr14:75,775,556, C>T. VCF-style: chr14-75775556-C-T. GRCh37 (hg19) VCF-style: chr14-76241899-C-T.
Other names: short protein forms R737*.
Identifiers: ClinVar variation 498404 (VCV000498404.10), dbSNP rs1555344661, ClinGen allele CA390469211.